The following is an entry in ClinVar:

NM_004656.4(BAP1):c.1616T>G (p.Leu539Arg)

Gene: BAP1 (BRCA1 associated deubiquitinase 1; minus strand). Cytogenetic location: 3p21.1.
Variant type: single nucleotide variant.
Coding change: c.1616T>G on transcript NM_004656.4 (MANE Select); coding-DNA position 1616, T replaced by G.
Protein change: p.Leu539Arg; replaces leucine 539 with arginine.
Molecular consequence: missense variant.
Genome position (GRCh38, 1-based): chr3:52,403,529, A>C on the plus strand (T>G on the coding strand, the complement: BAP1 is on the minus strand). VCF-style: chr3-52403529-A-C. GRCh37 (hg19) VCF-style: chr3-52437545-A-C.
Other names: short protein forms L539R.
Identifiers: ClinVar variation 924711 (VCV000924711.11), dbSNP rs1553644856, ClinGen allele CA353100287.

ClinVar aggregate classification (germline): Conflicting classifications of pathogenicity. Review status: criteria provided, conflicting classifications (1 of 4 stars). 4 submissions from 4 submitters: Uncertain significance (3); Likely benign (1). Last evaluated 2025-08-05.

Conditions:
Hereditary cancer-predisposing syndrome. Also called: Neoplastic Syndromes, Hereditary; Tumor predisposition; Hereditary Cancer Syndrome; Hereditary neoplastic syndrome. Identifiers: Orphanet 140162, MedGen C0027672, MeSH D009386, MONDO:0015356.
BAP1-related tumor predisposition syndrome (TPDS1). Also called: Tumor susceptibility linked to germline BAP1 mutations; COMMON Syndrome; TUMOR PREDISPOSITION SYNDROME 1; BAP1 tumor predisposition syndrome. Identifiers: Orphanet 289539, MedGen C3280492, MONDO:0013692, OMIM 614327.

Submissions (4):

Ambry Genetics
Classification: Likely benign for Hereditary cancer-predisposing syndrome. Last evaluated: 2025-08-05. Review status: criteria provided, single submitter. Criteria: Ambry Variant Classification Scheme 2023. Collection method: clinical testing. Allele origin: germline.

Labcorp Genetics (formerly Invitae), Labcorp
Classification: Uncertain significance for BAP1-related tumor predisposition syndrome. Last evaluated: 2024-08-19. Review status: criteria provided, single submitter. Criteria: Invitae Variant Classification Sherloc (09022015). Collection method: clinical testing. Allele origin: germline.
Comment: This sequence change replaces leucine, which is neutral and non-polar, with arginine, which is basic and polar, at codon 539 of the BAP1 protein (p.Leu539Arg). This variant is not present in population databases (gnomAD no frequency). This variant has not been reported in the literature in individuals affected with BAP1-related conditions. ClinVar contains an entry for this variant (Variation ID: 924711). Invitae Evidence Modeling of protein sequence and biophysical properties (such as structural, functional, and spatial information, amino acid conservation, physicochemical variation, residue mobility, and thermodynamic stability) indicates that this missense variant is not expected to disrupt BAP1 protein function with a negative predictive value of 80%. In summary, the available evidence is currently insufficient to determine the role of this variant in disease. Therefore, it has been classified as a Variant of Uncertain Significance.

Color Diagnostics, LLC DBA Color Health
Classification: Uncertain significance for Hereditary cancer-predisposing syndrome. Last evaluated: 2024-03-06. Review status: criteria provided, single submitter. Criteria: ACMG Guidelines, 2015. Collection method: clinical testing. Allele origin: germline.
Comment: This missense variant replaces leucine with arginine at codon 539 of the BAP1 protein. Computational prediction tool suggests that this variant may not impact protein structure and function (internally defined REVEL score threshold <=0.5, PMID: 27666373). Splice site prediction tools suggest that this variant may not impact RNA splicing. To our knowledge, functional studies have not been performed for this variant. This variant has not been reported in individuals affected with hereditary cancer in the literature. This variant has not been identified in the general population by the Genome Aggregation Database (gnomAD). The available evidence is insufficient to determine the role of this variant in disease conclusively. Therefore, this variant is classified as a Variant of Uncertain Significance.

Baylor Genetics
Classification: Uncertain significance for BAP1-related tumor predisposition syndrome. Last evaluated: 2023-10-25. Review status: criteria provided, single submitter. Criteria: ACMG Guidelines, 2015. Collection method: clinical testing. Allele origin: unknown.

Literature cited by the submitters: PubMed 38969833 (cited by Ambry Genetics).